The following is an entry in ClinVar:

ClinVar aggregate classification (germline): Uncertain significance (1 of 4 stars; one submission).

Conditions:
Inborn genetic diseases. Identifiers: MedGen C0950123, MeSH D030342.

Submission:

Ambry Genetics
Classification: Uncertain significance for Inborn genetic diseases. Last evaluated: 2026-07-07. Review status: criteria provided, single submitter. Criteria: Ambry Variant Classification Scheme 2023. Collection method: clinical testing. Allele origin: germline.
Comment: The p.F353L variant (also known as c.1057T>C), located in coding exon 8 of the RUNX1 gene, results from a T to C substitution at nucleotide position 1057. The phenylalanine at codon 353 is replaced by leucine, an amino acid with highly similar properties. This amino acid position is conserved. In addition, this alteration is predicted to be deleterious by in silico analysis. Based on the available evidence, the clinical significance of this variant remains unclear.

NM_001754.5(RUNX1):c.1057T>C (p.Phe353Leu)

Gene: RUNX1 (RUNX family transcription factor 1; minus strand). Cytogenetic location: 21q22.12.
Variant type: single nucleotide variant.
Coding change: c.1057T>C on transcript NM_001754.5 (MANE Select); coding-DNA position 1057, T replaced by C.
Protein change: p.Phe353Leu; replaces phenylalanine 353 with leucine.
Molecular consequence: missense variant.
Genome position (GRCh38, 1-based): chr21:34,792,521, A>G on the plus strand (T>C on the coding strand, the complement: RUNX1 is on the minus strand). VCF-style: chr21-34792521-A-G. GRCh37 (hg19) VCF-style: chr21-36164818-A-G.
Other names: c.976T>C, p.Phe326Leu (NM_001001890.3); short protein forms F353L, F326L.
Identifiers: ClinVar variation 5028579 (VCV005028579.1).
Genomic context (GRCh38, chr21:34,792,521, plus strand): 5'-AGCCCATGGCCGACATGCCGATGCCGATGCCCGAGGTGACCGGCGTCGGGGAGTAGGTGA[A>G]GGCGCCTGGATAGTGCATGCGGGGGTCGGAGATGGAGGGCAGCGCGGGGAACTGGCGCGG-3'
Protein context (NP_001745.2, residues 343-363): SDPRMHYPGA[Phe353Leu]TYSPTPVTSG